The following is an entry in ClinVar:

NM_015599.3(PGM3):c.618A>C (p.Arg206Ser)

Gene: PGM3 (phosphoglucomutase 3; minus strand). Cytogenetic location: 6q14.1.
Variant type: single nucleotide variant.
Coding change: c.618A>C on transcript NM_015599.3 (MANE Select); coding-DNA position 618, A replaced by C.
Protein change: p.Arg206Ser; replaces arginine 206 with serine.
Molecular consequence: missense variant. On other transcripts: non-coding transcript variant (1).
Genome position (GRCh38, 1-based): chr6:83,181,905, T>G on the plus strand (A>C on the coding strand, the complement: PGM3 is on the minus strand). VCF-style: chr6-83181905-T-G. GRCh37 (hg19) VCF-style: chr6-83891624-T-G.
Other names: c.702A>C, p.Arg234Ser (NM_001199917.2, NM_001367287.1); c.375A>C, p.Arg125Ser (NM_001199918.2); c.618A>C, p.Arg206Ser (NM_001199919.2, NM_001367286.1); short protein forms R125S, R206S, R234S.
Identifiers: ClinVar variation 659212 (VCV000659212.10), dbSNP rs148817553, ClinGen allele CA3906698.

ClinVar aggregate classification (germline): Uncertain significance. Review status: criteria provided, multiple submitters, no conflicts (2 of 4 stars). 3 submissions from 3 submitters: Uncertain significance (3). Last evaluated 2024-10-08.

Conditions:
Immunodeficiency 23 (IMD23). Also called: IMMUNODEFICIENCY WITH HYPER IgE AND COGNITIVE IMPAIRMENT; IMMUNODEFICIENCY-VASCULITIS-MYOCLONUS SYNDROME. Identifiers: Orphanet 443811, MedGen C4014371, MONDO:0014353, OMIM 615816.
Inborn genetic diseases. Identifiers: MedGen C0950123, MeSH D030342.

Allele frequency attached by ClinVar (database versions not stated): gnomAD exomes 0.00001 and 0.00003; ExAC 0.00003; gnomAD 0.00003 and 0.00005; TOPMed 0.00003; ESP Exome Variant Server 0.00008; 1000 Genomes Project 30x 0.00031; 1000 Genomes Project 0.00040.
gnomAD v4.1: 21 of 1,603,174 alleles (0.0013%); highest among the groups gnomAD compares: African/African-American, 0.022%; no homozygotes.

Submissions (3):

Ambry Genetics
Classification: Uncertain significance for Inborn genetic diseases. Last evaluated: 2024-10-08. Review status: criteria provided, single submitter. Criteria: Ambry Variant Classification Scheme 2023. Collection method: clinical testing. Allele origin: germline.

Labcorp Genetics (formerly Invitae), Labcorp
Classification: Uncertain significance for Immunodeficiency 23. Last evaluated: 2022-11-01. Review status: criteria provided, single submitter. Criteria: Invitae Variant Classification Sherloc (09022015). Collection method: clinical testing. Allele origin: germline.
Comment: This sequence change replaces arginine, which is basic and polar, with serine, which is neutral and polar, at codon 234 of the PGM3 protein (p.Arg234Ser). This variant is present in population databases (rs148817553, gnomAD 0.03%). This variant has not been reported in the literature in individuals affected with PGM3-related conditions. ClinVar contains an entry for this variant (Variation ID: 659212). Algorithms developed to predict the effect of missense changes on protein structure and function (SIFT, PolyPhen-2, Align-GVGD) all suggest that this variant is likely to be tolerated. In summary, the available evidence is currently insufficient to determine the role of this variant in disease. Therefore, it has been classified as a Variant of Uncertain Significance.

Fulgent Genetics
Classification: Uncertain significance for Immunodeficiency 23. Last evaluated: 2021-10-14. Review status: criteria provided, single submitter. Criteria: ACMG Guidelines, 2015. Collection method: clinical testing. Allele origin: unknown.